The following is an entry in ClinVar:

ClinVar aggregate classification (germline): Uncertain significance (1 of 4 stars; one submission).

Conditions:
Neutropenia, severe congenital, 2, autosomal dominant. Identifiers: Orphanet 486, MedGen C2751288, MONDO:0013139, OMIM 613107.

Submission:

Labcorp Genetics (formerly Invitae), Labcorp
Classification: Uncertain significance for Neutropenia, severe congenital, 2, autosomal dominant. Last evaluated: 2024-05-28. Review status: criteria provided, single submitter. Criteria: Invitae Variant Classification Sherloc (09022015). Collection method: clinical testing. Allele origin: germline.
Comment: This sequence change replaces glutamine, which is neutral and polar, with histidine, which is basic and polar, at codon 343 of the GFI1 protein (p.Gln343His). This variant is not present in population databases (gnomAD no frequency). This variant has not been reported in the literature in individuals affected with GFI1-related conditions. Advanced modeling of protein sequence and biophysical properties (such as structural, functional, and spatial information, amino acid conservation, physicochemical variation, residue mobility, and thermodynamic stability) has been performed at Invitae for this missense variant, however the output from this modeling did not meet the statistical confidence thresholds required to predict the impact of this variant on GFI1 protein function. In summary, the available evidence is currently insufficient to determine the role of this variant in disease. Therefore, it has been classified as a Variant of Uncertain Significance.

NM_005263.5(GFI1):c.1029G>C (p.Gln343His)

Gene: GFI1 (growth factor independent 1 transcriptional repressor; minus strand). Cytogenetic location: 1p22.1.
Variant type: single nucleotide variant.
Coding change: c.1029G>C on transcript NM_005263.5 (MANE Select); coding-DNA position 1029, G replaced by C.
Protein change: p.Gln343His; replaces glutamine 343 with histidine.
Molecular consequence: missense variant.
Genome position (GRCh38, 1-based): chr1:92,478,649, C>G on the plus strand (G>C on the coding strand, the complement: GFI1 is on the minus strand). VCF-style: chr1-92478649-C-G. GRCh37 (hg19) VCF-style: chr1-92944206-C-G.
Other names: c.1029G>C, p.Gln343His (NM_001127215.3, NM_001127216.3); short protein forms Q343H.
Identifiers: ClinVar variation 3654289 (VCV003654289.2).